The following is an entry in ClinVar:

ClinVar aggregate classification (germline): Conflicting classifications of pathogenicity. Review status: criteria provided, conflicting classifications (1 of 4 stars). 2 submissions from 2 submitters: Likely pathogenic (1); Uncertain significance (1). Last evaluated 2026-01-19.

Conditions:
Noonan syndrome-like disorder with loose anagen hair 1 (NSLH1). Also called: TOSTI SYNDROME; MAZZANTI SYNDROME. Identifiers: Orphanet 2701, MedGen C4478716, MONDO:0054637, OMIM 607721.

Submissions (2):

Institute of Human Genetics, University of Leipzig Medical Center
Classification: Likely pathogenic for Noonan syndrome-like disorder with loose anagen hair 1. Last evaluated: 2026-01-19. Review status: criteria provided, single submitter. Criteria: ACMG Guidelines, 2015. Collection method: clinical testing. Allele origin: unknown. Inheritance: Autosomal dominant inheritance. Affected: yes.
Comment: Criteria applied: PS1,PM2_SUP,PP3

GeneDx
Classification: Uncertain significance. Last evaluated: 2023-11-27. Review status: criteria provided, single submitter. Criteria: GeneDx Variant Classification Process June 2021. Collection method: clinical testing. Allele origin: germline. Affected: yes.
Comment: Not observed at significant frequency in large population cohorts (gnomAD); Same amino acid substitution caused by a different nucleotide change (c.519G>A) has been reported in an individual with features consistent with a RASopathy; however, this variant was inherited from an apparently unaffected parent, and functional studies did not conclusively demonstrate a significant effect on protein function (PMID: 25137548); Published functional studies demonstrate that this variant likely results in a gain of function and upregulates ERK pathway by selectively promoting phosphatase complex formation with MRAS and PP1, however results did not conclusively demonstrate a significant effect on protein function compared to wildtype (PMID: 30348783); In silico analysis supports that this missense variant does not alter protein structure/function; This variant is associated with the following publications: (PMID: 31059601, 34553755, 29493581, 35348676, 33526449, 33106373, 32558243, 22670144, 25137548, 30348783, 36175670)

NM_007373.4(SHOC2):c.519G>T (p.Met173Ile)

Gene: SHOC2 (SHOC2 leucine rich repeat scaffold protein; plus strand). Cytogenetic location: 10q25.2.
Variant type: single nucleotide variant.
Coding change: c.519G>T on transcript NM_007373.4 (MANE Select); coding-DNA position 519, G replaced by T.
Protein change: p.Met173Ile; replaces methionine 173 with isoleucine.
Molecular consequence: missense variant.
Genome position (GRCh38, 1-based): chr10:110,964,877, G>T. VCF-style: chr10-110964877-G-T. GRCh37 (hg19) VCF-style: chr10-112724635-G-T.
Other names: c.519G>T, p.Met173Ile (NM_001269039.3, NM_001324336.2, NM_001324337.2); short protein forms M173I.
Identifiers: ClinVar variation 546129 (VCV000546129.6), dbSNP rs730881020, ClinGen allele CA378385803.